The following is an entry in ClinVar:

NM_001145718.3(CT47B1):c.262G>C (p.Gly88Arg)

Gene: CT47B1 (cancer/testis antigen family 47 member B1; minus strand). Cytogenetic location: Xq24.
Variant type: single nucleotide variant.
Coding change: c.262G>C on transcript NM_001145718.3 (MANE Select); coding-DNA position 262, G replaced by C.
Protein change: p.Gly88Arg; replaces glycine 88 with arginine.
Molecular consequence: missense variant.
Genome position (GRCh38, 1-based): chrX:120,875,409, C>G on the plus strand (G>C on the coding strand, the complement: CT47B1 is on the minus strand). VCF-style: chrX-120875409-C-G. GRCh37 (hg19) VCF-style: chrX-120009263-C-G.
Other names: short protein forms G88R.
Identifiers: ClinVar variation 2661339 (VCV002661339.24), dbSNP rs200243472, ClinGen allele CA10506321.

ClinVar aggregate classification (germline): Likely benign (1 of 4 stars; one submission).

Allele frequency attached by ClinVar (database versions not stated): 1000 Genomes Project 0.00079; 1000 Genomes Project 30x 0.00083.
gnomAD v4.1: 107 of 1,207,479 alleles (0.0089%); highest among the groups gnomAD compares: African/African-American, 0.059%; no homozygotes.

Submission:

CeGaT Center for Human Genetics Tuebingen
Classification: Likely benign. Last evaluated: 2023-04-01. Review status: criteria provided, single submitter. Criteria: CeGaT Center For Human Genetics Tuebingen Variant Classification Criteria Version 2. Collection method: clinical testing. Allele origin: germline. Affected: yes. Observed: 1 variant allele.
Comment: CT47B1: BS2